The following is an entry in ClinVar:

NM_002029.4(FPR1):c.413C>A (p.Thr138Asn)

Gene: FPR1 (formyl peptide receptor 1; minus strand). Cytogenetic location: 19q13.41.
Variant type: single nucleotide variant.
Coding change: c.413C>A on transcript NM_002029.4 (MANE Select); coding-DNA position 413, C replaced by A.
Protein change: p.Thr138Asn; replaces threonine 138 with asparagine.
Molecular consequence: missense variant.
Genome position (GRCh38, 1-based): chr19:51,746,582, G>T on the plus strand (C>A on the coding strand, the complement: FPR1 is on the minus strand). VCF-style: chr19-51746582-G-T. GRCh37 (hg19) VCF-style: chr19-52249835-G-T.
Other names: c.413C>A, p.Thr138Asn (NM_001193306.2); short protein forms T138N.
Identifiers: ClinVar variation 4720489 (VCV004720489.1).

ClinVar aggregate classification (germline): Uncertain significance (1 of 4 stars; one submission).

Conditions:
Gingival disorder. Also called: Gingival disease. Identifiers: MedGen C0017563, MONDO:0002021.

gnomAD v4.1: 13 of 1,614,088 alleles (0.00081%); highest among the groups gnomAD compares: East Asian, 0.02%; no homozygotes.

Submission:

Labcorp Genetics (formerly Invitae), Labcorp
Classification: Uncertain significance for Gingival disorder. Last evaluated: 2025-05-30. Review status: criteria provided, single submitter. Criteria: Invitae Variant Classification Sherloc (09022015). Collection method: clinical testing. Allele origin: germline.
Comment: This sequence change replaces threonine, which is neutral and polar, with asparagine, which is neutral and polar, at codon 138 of the FPR1 protein (p.Thr138Asn). This variant is present in population databases (rs774567273, gnomAD 0.006%). This variant has not been reported in the literature in individuals affected with FPR1-related conditions. An algorithm developed to predict the effect of missense changes on protein structure and function (PolyPhen-2) suggests that this variant is likely to be tolerated. In summary, the available evidence is currently insufficient to determine the role of this variant in disease. Therefore, it has been classified as a Variant of Uncertain Significance.